The following is an entry in ClinVar:

NM_020320.5(RARS2):c.734G>A (p.Arg245Gln)

Gene: RARS2 (arginyl-tRNA synthetase 2, mitochondrial; minus strand). Cytogenetic location: 6q15.
Variant type: single nucleotide variant.
Coding change: c.734G>A on transcript NM_020320.5 (MANE Select); coding-DNA position 734, G replaced by A.
Protein change: p.Arg245Gln; replaces arginine 245 with glutamine.
Molecular consequence: missense variant. On other transcripts: non-coding transcript variant (23).
Genome position (GRCh38, 1-based): chr6:87,530,821, C>T on the plus strand (G>A on the coding strand, the complement: RARS2 is on the minus strand). VCF-style: chr6-87530821-C-T. GRCh37 (hg19) VCF-style: chr6-88240539-C-T.
Other names: c.734G>A (NM_020320.3); c.209G>A, p.Arg70Gln (NM_001318785.2, NM_001350506.2, NM_001350507.2 and 4 more transcripts); c.734G>A, p.Arg245Gln (NM_001350505.2); short protein forms R245Q, R70Q.
Identifiers: ClinVar variation 1810907 (VCV001810907.10), dbSNP rs767785738, ClinGen allele CA3916542.

ClinVar aggregate classification (germline): Conflicting classifications of pathogenicity. Review status: criteria provided, conflicting classifications (1 of 4 stars). 6 submissions from 6 submitters: Pathogenic (2); Likely pathogenic (1); Uncertain significance (3). Last evaluated 2025-08-21.

Conditions:
Inborn genetic diseases. Identifiers: MedGen C0950123, MeSH D030342.
RARS2-related disorder. Also called: RARS2-related condition.

Allele frequency attached by ClinVar (database versions not stated): TOPMed 0.00001; ExAC 0.00002.
gnomAD v4.1: 14 of 1,614,162 alleles (0.00087%); highest among the groups gnomAD compares: East Asian, 0.0067%; no homozygotes.

Submissions (6):

Labcorp Genetics (formerly Invitae), Labcorp
Classification: Pathogenic. Last evaluated: 2025-08-21. Review status: criteria provided, single submitter. Criteria: Invitae Variant Classification Sherloc (09022015). Collection method: clinical testing. Allele origin: germline.
Comment: This sequence change replaces arginine, which is basic and polar, with glutamine, which is neutral and polar, at codon 245 of the RARS2 protein (p.Arg245Gln). This variant is present in population databases (rs767785738, gnomAD 0.02%). This missense change has been observed in individual(s) with pontocerebellar hypoplasia (PMID: 2259581, 22569581). In at least one individual the data is consistent with being in trans (on the opposite chromosome) from a pathogenic variant. It has also been observed to segregate with disease in related individuals. ClinVar contains an entry for this variant (Variation ID: 1810907). Invitae Evidence Modeling of protein sequence and biophysical properties (such as structural, functional, and spatial information, amino acid conservation, physicochemical variation, residue mobility, and thermodynamic stability) indicates that this missense variant is expected to disrupt RARS2 protein function with a positive predictive value of 95%. Experimental studies are conflicting or provide insufficient evidence to determine the effect of this variant on RARS2 function (PMID: 22569581, 30006346). For these reasons, this variant has been classified as Pathogenic.

GeneDx
Classification: Likely pathogenic. Last evaluated: 2025-06-09. Review status: criteria provided, single submitter. Criteria: GeneDx Variant Classification Process June 2021. Collection method: clinical testing. Allele origin: germline. Affected: yes.
Comment: Published functional complementation studies in yeast demonstrate a damaging effect (reduced growth compared to wildtype) (PMID: 22569581); In silico analysis supports that this missense variant has a deleterious effect on protein structure/function; This variant is associated with the following publications: (PMID: 23427196, 22569581, 36368352, 30006346, 2259581, 25809939, 39230874, 31102535, 33926074)

PreventionGenetics, part of Exact Sciences
Classification: Pathogenic for RARS2-related condition. Last evaluated: 2023-06-01. Review status: criteria provided, single submitter. Criteria: ACMG Guidelines, 2015. Collection method: clinical testing. Allele origin: germline.
Comment: The RARS2 c.734G>A variant is predicted to result in the amino acid substitution p.Arg245Gln. This variant was reported in multiple individuals with pontocerebellar hypoplasia (Cassandrini et al. 2013. PubMed ID: 22569581; González-Serrano et al. 2018. PubMed ID: 30006346). Functional studies have also demonstrated that this variant impacts protein function (Figuccia et al. 2021. PubMed ID: 33926074; Cassandrini et al. 2013. PubMed ID: 22569581). This variant was also reported in an individual with epileptic encephalopathy with spasms (Matricardi et al. 2018. PubMed ID: 31102535). This variant is reported in 0.016% of alleles in individuals of East Asian descent in gnomAD. This variant is interpreted as pathogenic.

Women's Health and Genetics/Laboratory Corporation of America, LabCorp
Classification: Uncertain significance. Last evaluated: 2022-12-15. Review status: criteria provided, single submitter. Criteria: LabCorp Variant Classification Summary - May 2015. Collection method: clinical testing. Allele origin: germline.
Comment: Variant summary: RARS2 c.734G>A (p.Arg245Gln) results in a conservative amino acid change located in the Arginyl-tRNA synthetase, catalytic core domain (IPR035684) of the encoded protein sequence. Four of five in-silico tools predict a damaging effect of the variant on protein function. The variant allele was found at a frequency of 2.4e-05 in 251476 control chromosomes. c.734G>A has been reported in the literature in individuals affected with Pontocerebellar Hypoplasia, Type 6 (e.g. Cassandrini_2013). These data indicate that the variant may be associated with disease. At least one publication reports experimental evidence evaluating an impact on protein function, finding that the variant protein shows reduced respiratory growth in yeast (Cassandrini_2013) but does not display altered mitochondrial localization (Gonzalez-Serrano_2018). However, these results do not allow convincing conclusions about the variant effect. No clinical diagnostic laboratories have submitted clinical-significance assessments for this variant to ClinVar after 2014. Based on the evidence outlined above, the variant was classified as VUS-possibly pathogenic.

Ambry Genetics
Classification: Uncertain significance for Inborn genetic diseases. Last evaluated: 2022-05-04. Review status: criteria provided, single submitter. Criteria: Ambry Variant Classification Scheme 2023. Collection method: clinical testing. Allele origin: germline.

Blueprint Genetics
Classification: Uncertain significance. Last evaluated: 2020-11-04. Review status: criteria provided, single submitter. Criteria: ACMG Guidelines, 2015. Collection method: clinical testing. Allele origin: germline.

Literature cited by the submitters: PubMed 2259581 (cited by Labcorp Genetics (formerly Invitae), Labcorp); PubMed 22569581 (cited by 3 submitters); PubMed 30006346 (cited by 3 submitters); PubMed 31102535 (cited by Women's Health and Genetics/Laboratory Corporation of America, LabCorp).